The following is an entry in ClinVar:

NM_001384474.1(LOXHD1):c.812G>A (p.Arg271His)

Gene: LOXHD1 (lipoxygenase homology PLAT domains 1; minus strand). Cytogenetic location: 18q21.1.
Variant type: single nucleotide variant.
Coding change: c.812G>A on transcript NM_001384474.1 (MANE Select); coding-DNA position 812, G replaced by A.
Protein change: p.Arg271His; replaces arginine 271 with histidine.
Molecular consequence: missense variant.
Genome position (GRCh38, 1-based): chr18:46,604,177, C>T on the plus strand (G>A on the coding strand, the complement: LOXHD1 is on the minus strand). VCF-style: chr18-46604177-C-T. GRCh37 (hg19) VCF-style: chr18-44184140-C-T.
Other names: c.812G>A, p.Arg271His (NM_144612.7); short protein forms R271H.
Identifiers: ClinVar variation 4978551 (VCV004978551.1).

ClinVar aggregate classification (germline): Uncertain significance (1 of 4 stars; one submission).

Conditions:
LOXHD1-related disorder. Also called: LOXHD1-related condition.

gnomAD v4.1: 15 of 1,551,694 alleles (0.00097%); highest among the groups gnomAD compares: Admixed American, 0.0078%; no homozygotes.

Submission:

PreventionGenetics, part of Exact Sciences
Classification: Uncertain significance for LOXHD1-related condition. Last evaluated: 2024-11-19. Review status: criteria provided, single submitter. Criteria: ACMG Guidelines, 2015. Collection method: clinical testing. Allele origin: germline.
Comment: The LOXHD1 c.812G>A variant is predicted to result in the amino acid substitution p.Arg271His. To our knowledge, this variant has not been reported in the literature. This variant is reported in 0.012% of alleles in individuals of Latino descent in gnomAD. At this time, the clinical significance of this variant is uncertain due to the absence of conclusive functional and genetic evidence.